The following is an entry in ClinVar:

NM_001372.4(DNAH9):c.10367del (p.Leu3456fs)

Genes: DNAH9 (dynein axonemal heavy chain 9; plus strand), LOC101928350 (uncharacterized LOC101928350; minus strand). Cytogenetic location: 17p12.
Variant type: Deletion.
Coding change: c.10367del on transcript NM_001372.4 (MANE Select); coding-DNA position 10367, one base deleted (T; older notation c.10367delT).
Protein change: p.Leu3456fs; shifts the reading frame from leucine 3456.
Molecular consequence: frameshift variant. On other transcripts: non-coding transcript variant (1).
Genome position (GRCh38, 1-based): chr17:11,875,073, T deleted. VCF-style (leftmost placement, unchanged base first): chr17-11875072-CT-C. GRCh37 (hg19) VCF-style: chr17-11778389-CT-C.
Other names: short protein forms L3456fs.
Identifiers: ClinVar variation 3377561 (VCV003377561.1).

ClinVar aggregate classification (germline): Likely pathogenic (1 of 4 stars; one submission).

Conditions:
Ciliary dyskinesia, primary, 40. Also called: CILIARY DYSKINESIA, PRIMARY, 40, WITH OR WITHOUT SITUS INVERSUS. Identifiers: MedGen C4749028, MONDO:0032664, OMIM 618300.

Submission:

Neuberg Centre For Genomic Medicine, NCGM
Classification: Likely pathogenic for Ciliary dyskinesia, primary, 40. Last evaluated: 2023-06-22. Review status: criteria provided, single submitter. Criteria: ACMG Guidelines, 2015. Collection method: clinical testing. Allele origin: germline. Inheritance: Autosomal recessive inheritance. Affected: yes.
Comment: The observed frameshift c.10367del(p.Leu3456ProfsTer43) variant in DNAH9 gene has not been reported previously as a pathogenic variant nor a benign variant, to our knowledge. The p.Leu3456ProfsTer43 variant has been reported with allele frequency of 0.004% in gnomAD Exomes. This variant has not been submitted to the ClinVar database. This variant causes a frameshift starting with codon Leucine 3456, changes this amino acid to Proline residue, and creates a premature Stop codon at position 43 of the new reading frame, denoted p.Leu3456ProfsTer43. This variant is predicted to cause loss of normal protein function through protein truncation. Loss of function variants have been previously reported to be disease causing. For these reasons, this variant has been classified as Likely Pathogenic.